The following is an entry in ClinVar:

ClinVar aggregate classification (germline): Uncertain significance (1 of 4 stars; one submission).

Conditions:
Inborn genetic diseases. Identifiers: MedGen C0950123, MeSH D030342.

Submission:

Ambry Genetics
Classification: Uncertain significance for Inborn genetic diseases. Last evaluated: 2023-12-29. Review status: criteria provided, single submitter. Criteria: Ambry Variant Classification Scheme 2023. Collection method: clinical testing. Allele origin: germline.
Comment: The p.H61Q variant (also known as c.183T>A), located in coding exon 2 of the LRRK2 gene, results from a T to A substitution at nucleotide position 183. The histidine at codon 61 is replaced by glutamine, an amino acid with highly similar properties. This amino acid position is conserved. In addition, the in silico prediction for this alteration is inconclusive. Since supporting evidence is limited at this time, the clinical significance of this alteration remains unclear.

NM_198578.4(LRRK2):c.183T>A (p.His61Gln)

Gene: LRRK2 (leucine rich repeat kinase 2; plus strand). Cytogenetic location: 12q12.
Variant type: single nucleotide variant.
Coding change: c.183T>A on transcript NM_198578.4 (MANE Select); coding-DNA position 183, T replaced by A.
Protein change: p.His61Gln; replaces histidine 61 with glutamine.
Molecular consequence: missense variant.
Genome position (GRCh38, 1-based): chr12:40,225,586, T>A. VCF-style: chr12-40225586-T-A. GRCh37 (hg19) VCF-style: chr12-40619388-T-A.
Other names: short protein forms H61Q.
Identifiers: ClinVar variation 3229529 (VCV003229529.1), dbSNP rs2499335859, ClinGen allele CA384399128.
Genomic context (GRCh38, chr12:40,225,586, plus strand): 5'-CTTCTTTTCCCCACCCACTTGTTTTCCAGCCTCCAAGTTATTTCAAGGCAAAAATATCCA[T>A]GTGCCTCTGTTGATCGTCTTGGACTCCTATATGAGAGTCGCGAGTGTGCAGCAGGTAAAG-3'
Protein context (NP_940980.4, residues 51-71): ASKLFQGKNI[His61Gln]VPLLIVLDSY